The following is an entry in ClinVar:

NM_001267550.2(TTN):c.49327A>G (p.Thr16443Ala)

Genes: TTN (titin; minus strand), TTN-AS1 (TTN antisense RNA 1; plus strand). Cytogenetic location: 2q31.2.
Variant type: single nucleotide variant.
Coding change: c.49327A>G on transcript NM_001267550.2 (MANE Select); coding-DNA position 49327, A replaced by G.
Protein change: p.Thr16443Ala; replaces threonine 16443 with alanine.
Molecular consequence: missense variant. On other transcripts: non-coding transcript variant (1).
Genome position (GRCh38, 1-based): chr2:178,614,070, T>C on the plus strand (A>G on the coding strand, the complement: TTN is on the minus strand). VCF-style: chr2-178614070-T-C. GRCh37 (hg19) VCF-style: chr2-179478797-T-C.
Other names: c.44404A>G, p.Thr14802Ala (NM_001256850.1); c.22132A>G, p.Thr7378Ala (NM_003319.4); c.41623A>G, p.Thr13875Ala (NM_133378.4); c.22507A>G, p.Thr7503Ala (NM_133432.3); c.22708A>G, p.Thr7570Ala (NM_133437.4); short protein forms T14802A, T16443A, T7378A, T7503A, T7570A, T13875A.
Identifiers: ClinVar variation 4977304 (VCV004977304.1).
Genomic context (GRCh38, chr2:178,614,070, plus strand): 5'-ATAAGCATCCTTTTTTTTTTATCAGCTGATTGAGAAACTTACCAAACTGATATTTGGCTG[T>C]TATTGGAGAGGCCTGAACTGGTTCACCAACACCATACATGTTTTCTGCAGCAACTCTGAA-3'
Protein context (NP_001254479.2, residues 16433-16453): VGEPVQASPI[Thr16443Ala]AKYQFDPPGP

ClinVar aggregate classification (germline): Uncertain significance (1 of 4 stars; one submission).

Conditions:
TTN-related disorder. Also called: TTN-related condition; TTN-related disease; TTN-related disorders.

gnomAD v4.1: 7 of 1,612,344 alleles (0.00043%); highest among the groups gnomAD compares: Non-Finnish European, 0.00059%; no homozygotes.

Submission:

PreventionGenetics, part of Exact Sciences
Classification: Uncertain significance for TTN-related condition. Last evaluated: 2025-05-22. Review status: criteria provided, single submitter. Criteria: ACMG Guidelines, 2015. Collection method: clinical testing. Allele origin: germline.
Comment: The TTN c.49327A>G variant is predicted to result in the amino acid substitution p.Thr16443Ala. To our knowledge, this variant has not been reported in the literature. This variant is reported in 0.0018% of alleles in individuals of European (Non-Finnish) descent in gnomAD. At this time, the clinical significance of this variant is uncertain due to the absence of conclusive functional and genetic evidence.